The following is an entry in ClinVar:

NM_000057.4(BLM):c.651A>T (p.Gln217His)

Gene: BLM (BLM RecQ like helicase; plus strand). Cytogenetic location: 15q26.1.
Variant type: single nucleotide variant.
Coding change: c.651A>T on transcript NM_000057.4 (MANE Select); coding-DNA position 651, A replaced by T.
Protein change: p.Gln217His; replaces glutamine 217 with histidine.
Molecular consequence: missense variant. On other transcripts: 5 prime UTR variant (1).
Genome position (GRCh38, 1-based): chr15:90,749,919, A>T. VCF-style: chr15-90749919-A-T. GRCh37 (hg19) VCF-style: chr15-91293149-A-T.
Other names: c.651A>T, p.Gln217His (NM_001287246.2, NM_001287247.2); c.-641A>T (NM_001287248.2); short protein forms Q217H.
Identifiers: ClinVar variation 3624362 (VCV003624362.2).
Genomic context (GRCh38, chr15:90,749,919, plus strand): 5'-GCTTTATACAACAAACACAGTAAAGACTGATTTGCCTCCACCCTCCTCTGAAAGCGAGCA[A>T]ATAGATTTGACTGAGGAACAGAAGGATGACTCAGAATGGTTAAGCAGCGATGTGATTTGC-3'
Protein context (NP_000048.1, residues 207-227): DLPPPSSESE[Gln217His]IDLTEEQKDD

ClinVar aggregate classification (germline): Uncertain significance (1 of 4 stars; one submission).

Conditions:
Bloom syndrome (BLM). Also called: Bloom-Torre-Machacek syndrome. Identifiers: Orphanet 125, MedGen C0005859, MONDO:0008876, OMIM 210900.

gnomAD v4.1: 5 of 1,613,482 alleles (0.00031%); highest among the groups gnomAD compares: Non-Finnish European, 0.00042%; no homozygotes.

Submission:

Labcorp Genetics (formerly Invitae), Labcorp
Classification: Uncertain significance for Bloom syndrome. Last evaluated: 2024-02-29. Review status: criteria provided, single submitter. Criteria: Invitae Variant Classification Sherloc (09022015). Collection method: clinical testing. Allele origin: germline.
Comment: This sequence change replaces glutamine, which is neutral and polar, with histidine, which is basic and polar, at codon 217 of the BLM protein (p.Gln217His). This variant is present in population databases (no rsID available, gnomAD 0.0009%). This variant has not been reported in the literature in individuals affected with BLM-related conditions. An algorithm developed to predict the effect of missense changes on protein structure and function (PolyPhen-2) suggests that this variant is likely to be disruptive. In summary, the available evidence is currently insufficient to determine the role of this variant in disease. Therefore, it has been classified as a Variant of Uncertain Significance.